The following is an entry in ClinVar:

ClinVar aggregate classification (germline): Uncertain significance (1 of 4 stars; one submission).

Submission:

GeneDx
Classification: Uncertain significance. Last evaluated: 2025-03-13. Review status: criteria provided, single submitter. Criteria: GeneDx Variant Classification Process June 2021. Collection method: clinical testing. Allele origin: germline. Affected: yes.
Comment: Not observed at significant frequency in large population cohorts (gnomAD); In silico analysis supports that this missense variant has a deleterious effect on protein structure/function; Has not been previously published as pathogenic or benign to our knowledge; This variant is associated with the following publications: (PMID: 18466115)

NM_000548.5(TSC2):c.641A>G (p.Asp214Gly)

Gene: TSC2 (TSC complex subunit 2; plus strand). Cytogenetic location: 16p13.3.
Variant type: single nucleotide variant.
Coding change: c.641A>G on transcript NM_000548.5 (MANE Select); coding-DNA position 641, A replaced by G.
Protein change: p.Asp214Gly; replaces aspartic acid 214 with glycine.
Molecular consequence: missense variant. On other transcripts: 5 prime UTR variant (10), non-coding transcript variant (5).
Genome position (GRCh38, 1-based): chr16:2,056,237, A>G. VCF-style: chr16-2056237-A-G. GRCh37 (hg19) VCF-style: chr16-2106238-A-G.
Other names: c.641A>G, p.Asp214Gly (NM_001363528.2, NM_001370404.1, NM_001370405.1 and 8 more transcripts); c.731A>G, p.Asp244Gly (NM_001406667.1, NM_001406668.1); c.530A>G, p.Asp177Gly (NM_001406670.1, NM_001406678.1, NM_001318827.2); c.41A>G, p.Asp14Gly (NM_001406684.1, NM_001406685.1, NM_001406686.1 and 6 more transcripts); c.-791A>G (NM_001406689.1, NM_001406690.1, NM_001406691.1 and 3 more transcripts); c.-672A>G (NM_001406694.1, NM_001406695.1); c.-779A>G (NM_001406696.1); c.-967A>G (NM_001406698.1); and 4 more; short protein forms D14G, D165G, D177G, D195G, D214G, D225G, D244G, D60G.
Identifiers: ClinVar variation 4086506 (VCV004086506.1).
Genomic context (GRCh38, chr16:2,056,237, plus strand): 5'-AGCTCGGTGCTCCCTGCAGGATGATCTGTCTGCTGTGCGTCCGGACCGCGTCCTCTGTGG[A>G]CATAGAGGTCAGTGCCTCCCCTCCCCAGGGCCGGCCCATTTCACCCTGGTTTCTGGGAGG-3'
Protein context (NP_000539.2, residues 204-224): LLCVRTASSV[Asp214Gly]IEVSLQVLDA